The following is an entry in ClinVar:

ClinVar aggregate classification (germline): Benign. Review status: criteria provided, multiple submitters, no conflicts (2 of 4 stars). 4 submissions from 4 submitters: Benign (3). 1 of the submissions does not count toward it. Last evaluated 2024-07-15.

Allele frequency attached by ClinVar (database versions not stated): TOPMed 0.96644; 1000 Genomes Project 30x 0.96690; gnomAD 0.97067 and 0.96851; gnomAD exomes 0.99720 and 0.99254; 1000 Genomes Project 0.96905; ESP Exome Variant Server 0.96917; ExAC 0.99098.
gnomAD v4.1: 1,605,188 of 1,613,916 alleles (99%); highest among the groups gnomAD compares: East Asian, 100%; 798,642 homozygotes.

Submissions (4):

Unidad de Genómica Garrahan, Hospital de Pediatría Garrahan
Classification: Benign. Last evaluated: 2024-07-15. Review status: criteria provided, single submitter. Criteria: ACMG Guidelines, 2015. Collection method: clinical testing. Allele origin: germline. Affected: no. Observed: 73 variant alleles.
Comment: This variant is classified as Benign based on local population frequency. This variant was detected in 78% of patients studied in a panel designed for Epileptic and Developmental Encephalopathy and Progressive Myoclonus Epilepsy. Number of patients: 73. Only high quality variants are reported.

GeneDx
Classification: Benign. Last evaluated: 2018-06-25. Review status: criteria provided, single submitter. Criteria: GeneDx Variant Classification Process June 2021. Collection method: clinical testing. Allele origin: germline. Affected: yes.

Breakthrough Genomics
Classification: Benign. Review status: criteria provided, single submitter. Criteria: ACMG Guidelines, 2015. Collection method: not provided. Allele origin: germline. Inheritance: Autosomal dominant inheritance. Affected: yes.

Genetic Services Laboratory, University of Chicago
Classification: Likely benign. Review status: no assertion criteria provided. Collection method: clinical testing. Allele origin: germline. Inheritance: Autosomal dominant inheritance. Not counted in ClinVar's aggregate classification.
Comment: Likely benign based on allele frequency in 1000 Genomes Project or ESP global frequency and its presence in a patient with a rare or unrelated disease phenotype. NOT Sanger confirmed

NM_001130438.3(SPTAN1):c.2560+43G>A

Gene: SPTAN1 (spectrin alpha, non-erythrocytic 1; plus strand). Cytogenetic location: 9q34.11.
Variant type: single nucleotide variant.
Coding change: c.2560+43G>A on transcript NM_001130438.3 (MANE Select); 43 bases into the intron after coding-DNA position 2560, G replaced by A.
Molecular consequence: intron variant.
Genome position (GRCh38, 1-based): chr9:128,584,886, G>A. VCF-style: chr9-128584886-G-A. GRCh37 (hg19) VCF-style: chr9-131347165-G-A.
Other names: c.2560+43G>A (NM_001363759.2, NM_003127.4, NM_001363765.2 and 1 more transcripts).
Identifiers: ClinVar variation 160001 (VCV000160001.11), dbSNP rs4836615, ClinGen allele CA173551.